The following is an entry in ClinVar:

NM_138694.4(PKHD1):c.10973T>C (p.Ile3658Thr)

Gene: PKHD1 (PKHD1 ciliary IPT domain containing fibrocystin/polyductin; minus strand). Cytogenetic location: 6p12.3.
Variant type: single nucleotide variant.
Coding change: c.10973T>C on transcript NM_138694.4 (MANE Select); coding-DNA position 10973, T replaced by C.
Protein change: p.Ile3658Thr; replaces isoleucine 3658 with threonine.
Molecular consequence: missense variant.
Genome position (GRCh38, 1-based): chr6:51,659,153, A>G on the plus strand (T>C on the coding strand, the complement: PKHD1 is on the minus strand). VCF-style: chr6-51659153-A-G. GRCh37 (hg19) VCF-style: chr6-51523951-A-G.
Other names: short protein forms I3658T.
Identifiers: ClinVar variation 406893 (VCV000406893.18), dbSNP rs142536551, ClinGen allele CA3850980.

ClinVar aggregate classification (germline): Uncertain significance. Review status: criteria provided, multiple submitters, no conflicts (2 of 4 stars). 6 submissions from 6 submitters: Uncertain significance (5). 1 of the submissions does not count toward it. Last evaluated 2026-03-25.

Conditions:
Polycystic kidney disease 4 (PKD4). Also called: POLYCYSTIC KIDNEY AND HEPATIC DISEASE 1; POLYCYSTIC KIDNEY DISEASE, INFANTILE, TYPE I; POLYCYSTIC KIDNEY DISEASE 4 WITH OR WITHOUT POLYCYSTIC LIVER DISEASE; Autosomal Recessive Polycystic Kidney Disease – PKHD1; PKD3. Identifiers: MedGen C4540575, MONDO:0033004, OMIM 263200.
PKHD1-related disorder. Also called: PKHD1-related condition.
Autosomal recessive polycystic kidney disease (ARPKD). Also called: AR polycystic kidney disease. Identifiers: Orphanet 731, Orphanet 8378, MedGen C0085548, MeSH D017044, MONDO:0009889.

Allele frequency attached by ClinVar (database versions not stated): ESP Exome Variant Server 0.00008; ExAC 0.00013; gnomAD exomes 0.00013 and 0.00034; gnomAD 0.00015 and 0.00016; TOPMed 0.00015.
gnomAD v4.1: 527 of 1,613,698 alleles (0.033%); highest among the groups gnomAD compares: Non-Finnish European, 0.04%; no homozygotes.

Submissions (6):

PreventionGenetics, part of Exact Sciences
Classification: Uncertain significance for PKHD1-related condition. Last evaluated: 2026-03-25. Review status: criteria provided, single submitter. Criteria: ACMG Guidelines, 2015. Collection method: clinical testing. Allele origin: germline.
Comment: The PKHD1 c.10973T>C variant is predicted to result in the amino acid substitution p.Ile3658Thr. To our knowledge, this variant has not been reported in the literature. This variant is reported in 0.044% of alleles in individuals of European (Finnish) descent in gnomAD. At this time, the clinical significance of this variant is uncertain due to the absence of conclusive functional and genetic evidence.

Fulgent Genetics
Classification: Uncertain significance for Polycystic kidney disease 4. Last evaluated: 2022-05-31. Review status: criteria provided, single submitter. Criteria: ACMG Guidelines, 2015. Collection method: clinical testing. Allele origin: unknown.

Labcorp Genetics (formerly Invitae), Labcorp
Classification: Uncertain significance for Autosomal recessive polycystic kidney disease. Last evaluated: 2021-09-01. Review status: criteria provided, single submitter. Criteria: Invitae Variant Classification Sherloc (09022015). Collection method: clinical testing. Allele origin: germline.
Comment: This sequence change replaces isoleucine with threonine at codon 3658 of the PKHD1 protein (p.Ile3658Thr). The isoleucine residue is weakly conserved and there is a moderate physicochemical difference between isoleucine and threonine. This variant is present in population databases (rs142536551, ExAC 0.06%). This variant has not been reported in the literature in individuals affected with PKHD1-related conditions. Algorithms developed to predict the effect of missense changes on protein structure and function (SIFT, PolyPhen-2, Align-GVGD) all suggest that this variant is likely to be tolerated. In summary, the available evidence is currently insufficient to determine the role of this variant in disease. Therefore, it has been classified as a Variant of Uncertain Significance.

Eurofins Ntd Llc (ga)
Classification: Uncertain significance. Last evaluated: 2018-05-30. Review status: criteria provided, single submitter. Criteria: EGL ClinVar v180209 classification definitions. Collection method: clinical testing. Allele origin: germline. Observed: 1 variant allele, 1 heterozygote.

Illumina Laboratory Services, Illumina
Classification: Uncertain significance for Polycystic kidney disease 4. Last evaluated: 2017-04-28. Review status: criteria provided, single submitter. Criteria: ICSL Variant Classification Criteria 13 December 2019. Collection method: clinical testing. Allele origin: germline.

Natera, Inc.
Classification: Uncertain significance for Autosomal recessive polycystic kidney disease. Last evaluated: 2017-11-20. Review status: no assertion criteria provided. Collection method: clinical testing. Allele origin: germline. Not counted in ClinVar's aggregate classification.